The following is an entry in ClinVar:

NM_000051.4(ATM):c.5107T>C (p.Phe1703Leu)

Gene: ATM (ATM serine/threonine kinase; plus strand). Cytogenetic location: 11q22.3.
Variant type: single nucleotide variant.
Coding change: c.5107T>C on transcript NM_000051.4 (MANE Select); coding-DNA position 5107, T replaced by C.
Protein change: p.Phe1703Leu; replaces phenylalanine 1703 with leucine.
Molecular consequence: missense variant.
Genome position (GRCh38, 1-based): chr11:108,299,815, T>C. VCF-style: chr11-108299815-T-C. GRCh37 (hg19) VCF-style: chr11-108170542-T-C.
Other names: c.5107T>C, p.Phe1703Leu (NM_001351834.2); short protein forms F1703L.
Identifiers: ClinVar variation 825452 (VCV000825452.11), dbSNP rs1591702635, ClinGen allele CA382540764.

ClinVar aggregate classification (germline): Uncertain significance. Review status: criteria provided, multiple submitters, no conflicts (2 of 4 stars). 2 submissions from 2 submitters: Uncertain significance (2). Last evaluated 2025-09-02.

Conditions:
Hereditary cancer-predisposing syndrome. Also called: Neoplastic Syndromes, Hereditary; Hereditary Cancer Syndrome; Hereditary neoplastic syndrome; Tumor predisposition. Identifiers: Orphanet 140162, MedGen C0027672, MeSH D009386, MONDO:0015356.
Ataxia-telangiectasia syndrome (AT). Also called: ATAXIA-TELANGIECTASIA, COMPLEMENTATION GROUP A; ATAXIA-TELANGIECTASIA, FRESNO VARIANT; Ataxia-telangiectasia, complementation group E; Ataxia telangiectasia (A-T); LOUIS-BAR SYNDROME; Cerebello-oculocutaneous telangiectasia. Identifiers: Orphanet 100, MedGen C0004135, MONDO:0008840, OMIM 208900.

Allele frequency attached by ClinVar (database versions not stated): gnomAD exomes below 0.00001.
gnomAD v4.1: 1 of 1,613,976 alleles (0.000062%); highest among the groups gnomAD compares: Non-Finnish European, 0.000085%; no homozygotes.

Submissions (2):

Labcorp Genetics (formerly Invitae), Labcorp
Classification: Uncertain significance for Ataxia-telangiectasia syndrome. Last evaluated: 2025-09-02. Review status: criteria provided, single submitter. Criteria: Invitae Variant Classification Sherloc (09022015). Collection method: clinical testing. Allele origin: germline.
Comment: This sequence change replaces phenylalanine, which is neutral and non-polar, with leucine, which is neutral and non-polar, at codon 1703 of the ATM protein (p.Phe1703Leu). This variant is not present in population databases (gnomAD no frequency). This variant has not been reported in the literature in individuals affected with ATM-related conditions. ClinVar contains an entry for this variant (Variation ID: 825452). Invitae Evidence Modeling of protein sequence and biophysical properties (such as structural, functional, and spatial information, amino acid conservation, physicochemical variation, residue mobility, and thermodynamic stability) indicates that this missense variant is not expected to disrupt ATM protein function with a negative predictive value of 95%. In summary, the available evidence is currently insufficient to determine the role of this variant in disease. Therefore, it has been classified as a Variant of Uncertain Significance.

Ambry Genetics
Classification: Uncertain significance for Hereditary cancer-predisposing syndrome. Last evaluated: 2025-05-24. Review status: criteria provided, single submitter. Criteria: Ambry Variant Classification Scheme 2023. Collection method: clinical testing. Allele origin: germline.
Comment: The p.F1703L variant (also known as c.5107T>C), located in coding exon 33 of the ATM gene, results from a T to C substitution at nucleotide position 5107. The phenylalanine at codon 1703 is replaced by leucine, an amino acid with highly similar properties. This amino acid position is well conserved in available vertebrate species. In addition, this alteration is predicted to be tolerated by in silico analysis. Since supporting evidence is limited at this time, the clinical significance of this alteration remains unclear.